The following is an entry in ClinVar:

GRCh38/hg38 9q33.1(chr9:117189877-119261350)x3

Genes: ASTN2 (astrotactin 2; minus strand), BRINP1 (BMP/retinoic acid inducible neural specific 1; minus strand), LINC02578 (long intergenic non-protein coding RNA 2578; plus strand), TLR4 (toll like receptor 4; plus strand), LOC101928797 (uncharacterized LOC101928797; plus strand) and 7 more. Cytogenetic location: 9q33.1.
Variant type: copy number gain.
Change: copy number 3 (three copies instead of two) of chr9:117,189,877-119,261,350 (2.07 Mb, GRCh38 coordinates, 1-based), cytogenetic band 9q33.1.
Identifiers: ClinVar variation 160940 (VCV000160940.1).

ClinVar aggregate classification (germline): Uncertain significance (1 of 4 stars; one submission).

Submission:

ISCA site 14
Classification: Uncertain significance. Last evaluated: 2011-08-12. Review status: criteria provided, single submitter. Criteria: Kaminsky et al. (Genet Med. 2011). Collection method: clinical testing. Allele origin: unknown. Affected: yes. Observed: 1 variant allele.
Comment: Copy number variation identified through the course of routine clinical cytogenomic testing in postnatal populations. Clinical assertions have been curated as described in Kaminsky et al. 2011.